The following is an entry in ClinVar:

NM_012123.4(MTO1):c.8A>G (p.Tyr3Cys)

Gene: MTO1 (mitochondrial tRNA translation optimization 1; plus strand). Cytogenetic location: 6q13.
Variant type: single nucleotide variant.
Coding change: c.8A>G on transcript NM_012123.4 (MANE Select); coding-DNA position 8, A replaced by G.
Protein change: p.Tyr3Cys; replaces tyrosine 3 with cysteine.
Molecular consequence: missense variant.
Genome position (GRCh38, 1-based): chr6:73,461,862, A>G. VCF-style: chr6-73461862-A-G. GRCh37 (hg19) VCF-style: chr6-74171585-A-G.
Other names: p.Tyr3Cys; c.8A>G (NM_001123226.1, NM_012123.3); c.8A>G, p.Tyr3Cys (NM_001123226.2, NM_133645.3); short protein forms Y3C.
Identifiers: ClinVar variation 2422036 (VCV002422036.9), dbSNP rs769183932, ClinGen allele CA3889204.

ClinVar aggregate classification (germline): Uncertain significance. Review status: criteria provided, multiple submitters, no conflicts (2 of 4 stars). 4 submissions from 4 submitters: Uncertain significance (4). Last evaluated 2025-08-12.

Conditions:
Mitochondrial hypertrophic cardiomyopathy with lactic acidosis due to MTO1 deficiency. Also called: Combined oxidative phosphorylation deficiency 10; CARDIOMYOPATHY, INFANTILE HYPERTROPHIC MITOCHONDRIAL, AND LACTIC ACIDOSIS. Identifiers: Orphanet 314637, MedGen C4749921, MONDO:0013865, OMIM 614702.
Inborn genetic diseases. Identifiers: MedGen C0950123, MeSH D030342.

Allele frequency attached by ClinVar (database versions not stated): TOPMed 0.00003.
gnomAD v4.1: 35 of 1,612,904 alleles (0.0022%); highest among the groups gnomAD compares: African/African-American, 0.004%; no homozygotes.

Submissions (4):

Ambry Genetics
Classification: Uncertain significance for Inborn genetic diseases. Last evaluated: 2025-08-12. Review status: criteria provided, single submitter. Criteria: Ambry Variant Classification Scheme 2023. Collection method: clinical testing. Allele origin: germline.

GeneDx
Classification: Uncertain significance. Last evaluated: 2025-05-12. Review status: criteria provided, single submitter. Criteria: GeneDx Variant Classification Process June 2021. Collection method: clinical testing. Allele origin: germline.
Comment: Not observed at significant frequency in large population cohorts (gnomAD); In silico analysis suggests that this missense variant does not alter protein structure/function; Has not been previously published as pathogenic or benign to our knowledge

Mayo Clinic Laboratories, Mayo Clinic
Classification: Uncertain significance. Last evaluated: 2024-06-14. Review status: criteria provided, single submitter. Criteria: ACMG Guidelines, 2015. Collection method: clinical testing. Allele origin: germline. Observed: 1 variant allele.
Comment: BP4, PM2

Labcorp Genetics (formerly Invitae), Labcorp
Classification: Uncertain significance for Mitochondrial hypertrophic cardiomyopathy with lactic acidosis due to MTO1 deficiency. Last evaluated: 2022-03-05. Review status: criteria provided, single submitter. Criteria: Invitae Variant Classification Sherloc (09022015). Collection method: clinical testing. Allele origin: germline.
Comment: This sequence change replaces tyrosine, which is neutral and polar, with cysteine, which is neutral and slightly polar, at codon 3 of the MTO1 protein (p.Tyr3Cys). This variant is present in population databases (rs769183932, gnomAD 0.01%). This variant has not been reported in the literature in individuals affected with MTO1-related conditions. Algorithms developed to predict the effect of missense changes on protein structure and function output the following: SIFT: "Tolerated"; PolyPhen-2: "Benign"; Align-GVGD: "Class C0". The cysteine amino acid residue is found in multiple mammalian species, which suggests that this missense change does not adversely affect protein function. In summary, the available evidence is currently insufficient to determine the role of this variant in disease. Therefore, it has been classified as a Variant of Uncertain Significance.